The following is an entry in ClinVar:

NM_001211.6(BUB1B):c.827A>T (p.Asp276Val)

Gene: BUB1B (BUB1 mitotic checkpoint serine/threonine kinase B; plus strand). Cytogenetic location: 15q15.1.
Variant type: single nucleotide variant.
Coding change: c.827A>T on transcript NM_001211.6 (MANE Select); coding-DNA position 827, A replaced by T.
Protein change: p.Asp276Val; replaces aspartic acid 276 with valine.
Molecular consequence: missense variant.
Genome position (GRCh38, 1-based): chr15:40,185,240, A>T. VCF-style: chr15-40185240-A-T. GRCh37 (hg19) VCF-style: chr15-40477441-A-T.
Other names: short protein forms D276V.
Identifiers: ClinVar variation 3221447 (VCV003221447.1), dbSNP rs768901850, ClinGen allele CA391684213.

ClinVar aggregate classification (germline): Uncertain significance (1 of 4 stars; one submission).

Conditions:
Inborn genetic diseases. Identifiers: MedGen C0950123, MeSH D030342.

gnomAD v4.1: 2 of 1,614,150 alleles (0.00012%); highest among the groups gnomAD compares: Non-Finnish European, 0.00017%; no homozygotes.

Submission:

Ambry Genetics
Classification: Uncertain significance for Inborn genetic diseases. Last evaluated: 2024-02-02. Review status: criteria provided, single submitter. Criteria: Ambry Variant Classification Scheme 2023. Collection method: clinical testing. Allele origin: germline.
Comment: The p.D276V variant (also known as c.827A>T), located in coding exon 7 of the BUB1B gene, results from an A to T substitution at nucleotide position 827. The aspartic acid at codon 276 is replaced by valine, an amino acid with highly dissimilar properties. This amino acid position is conserved. In addition, the in silico prediction for this alteration is inconclusive. Based on the available evidence, the clinical significance of this alteration remains unclear.